The following is an entry in ClinVar:

ClinVar aggregate classification (germline): Likely benign. Review status: criteria provided, multiple submitters, no conflicts (2 of 4 stars). 3 submissions from 3 submitters: Likely benign (2). 1 of the submissions does not count toward it. Last evaluated 2025-08-03.

Conditions:
ATRN-related disorder. Also called: ATRN-related condition.

Allele frequency attached by ClinVar (database versions not stated): gnomAD exomes 0.00005; ExAC 0.00016; ESP Exome Variant Server 0.00046; gnomAD 0.00046; TOPMed 0.00056; 1000 Genomes Project 0.00060; 1000 Genomes Project 30x 0.00062.
gnomAD v4.1: 163 of 1,614,154 alleles (0.01%); highest among the groups gnomAD compares: African/African-American, 0.16%; no homozygotes.

Submissions (3):

Labcorp Genetics (formerly Invitae), Labcorp
Classification: Likely benign. Last evaluated: 2025-08-03. Review status: criteria provided, single submitter. Criteria: Invitae Variant Classification Sherloc (09022015). Collection method: clinical testing. Allele origin: germline.

CeGaT Center for Human Genetics Tuebingen
Classification: Likely benign. Last evaluated: 2022-08-01. Review status: criteria provided, single submitter. Criteria: CeGaT Center For Human Genetics Tuebingen Variant Classification Criteria Version 2. Collection method: clinical testing. Allele origin: germline. Affected: yes. Observed: 1 variant allele.
Comment: ATRN: BP4, BP7

PreventionGenetics, part of Exact Sciences
Classification: Likely benign for ATRN-related condition. Last evaluated: 2019-03-20. Review status: no assertion criteria provided. Collection method: clinical testing. Allele origin: germline. Not counted in ClinVar's aggregate classification.
Comment: This variant is classified as likely benign based on ACMG/AMP sequence variant interpretation guidelines (Richards et al. 2015 PMID: 25741868, with internal and published modifications).

NM_139321.3(ATRN):c.4137G>A (p.Leu1379=)

Gene: ATRN (attractin; plus strand). Cytogenetic location: 20p13.
Variant type: single nucleotide variant.
Coding change: c.4137G>A on transcript NM_139321.3 (MANE Select); coding-DNA position 4137, G replaced by A.
Protein change: p.Leu1379=; no amino-acid change (leucine 1379 retained).
Molecular consequence: synonymous variant.
Genome position (GRCh38, 1-based): chr20:3,644,240, G>A. VCF-style: chr20-3644240-G-A. GRCh37 (hg19) VCF-style: chr20-3624887-G-A.
Other names: c.4137G>A (NM_139321.2).
Identifiers: ClinVar variation 2065327 (VCV002065327.29), dbSNP rs112781398, ClinGen allele CA9744741.